The following is an entry in ClinVar:

ClinVar aggregate classification (germline): Benign/Likely benign. Review status: criteria provided, multiple submitters, no conflicts (2 of 4 stars). 6 submissions from 6 submitters: Benign (5); Likely benign (1). Last evaluated 2024-11-26.

Allele frequency attached by ClinVar (database versions not stated): gnomAD 0.03946; TOPMed 0.04418; 1000 Genomes Project 30x 0.08588; 1000 Genomes Project 0.08866; ExAC 0.27322.

Submissions (6):

Blueprint Genetics
Classification: Likely benign. Last evaluated: 2024-11-26. Review status: criteria provided, single submitter. Criteria: ACMG Guidelines, 2015. Collection method: clinical testing. Allele origin: germline.

Women's Health and Genetics/Laboratory Corporation of America, LabCorp
Classification: Benign. Last evaluated: 2023-07-31. Review status: criteria provided, single submitter. Criteria: LabCorp Variant Classification Summary - May 2015. Collection method: clinical testing. Allele origin: germline.
Comment: Variant summary: FOXE3 c.-14G>A alters a non-conserved nucleotide located in the untranslated mRNA region upstream of the initiation codon. The variant allele was found at a frequency of 0.081 in 35650 control chromosomes in the gnomAD database, including 189 homozygotes. The observed variant frequency exceeds the estimated maximal expected allele frequency for a pathogenic variant in FOXE3 causing Aortic Aneurysm, Familial Thoracic 11 phenotype (6.3e-07), strongly suggesting that the variant is benign. To our knowledge, no occurrence of c.-14G>A in individuals affected with Aortic Aneurysm, Familial Thoracic 11 and no experimental evidence demonstrating its impact on protein function have been reported. Two submitters have cited clinical-significance assessments for this variant to ClinVar after 2014. All submitters classified the variant as benign. Based on the evidence outlined above, the variant was classified as benign.

GeneDx
Classification: Benign. Last evaluated: 2021-06-17. Review status: criteria provided, single submitter. Criteria: GeneDx Variant Classification Process June 2021. Collection method: clinical testing. Allele origin: germline. Affected: yes.
Comment: This variant is associated with the following publications: (PMID: 29461140)

Eurofins Ntd Llc (ga)
Classification: Benign. Last evaluated: 2016-01-11. Review status: criteria provided, single submitter. Criteria: EGL Classification Definitions 2015. Collection method: clinical testing. Allele origin: germline. Observed: 2 variant alleles, 1 heterozygote, 1 homozygote.

Breakthrough Genomics
Classification: Benign. Review status: criteria provided, single submitter. Criteria: ACMG Guidelines, 2015. Collection method: not provided. Allele origin: germline. Inheritance: Autosomal recessive inheritance. Affected: yes.

PreventionGenetics, part of Exact Sciences
Classification: Benign. Review status: criteria provided, single submitter. Criteria: ACMG Guidelines, 2015. Collection method: clinical testing. Allele origin: germline.

NM_012186.3(FOXE3):c.-14G>A

Genes: LINC01389 (long independently transcribed non-coding RNA 1389; minus strand), FOXE3 (forkhead box E3; plus strand). Cytogenetic location: 1p33.
Variant type: single nucleotide variant.
Coding change: c.-14G>A on transcript NM_012186.3 (MANE Select); 14 bases upstream of the start codon, G replaced by A.
Molecular consequence: 5 prime UTR variant.
Genome position (GRCh38, 1-based): chr1:47,416,302, G>A. VCF-style: chr1-47416302-G-A. GRCh37 (hg19) VCF-style: chr1-47881974-G-A.
Identifiers: ClinVar variation 260210 (VCV000260210.11), dbSNP rs181190356, ClinGen allele CA842905.